The following is an entry in ClinVar:

ClinVar aggregate classification (germline): Pathogenic. Review status: reviewed by expert panel (3 of 4 stars). 6 submissions from 6 submitters: Pathogenic (1). 5 of the submissions do not count toward it. Last evaluated 2016-10-18.

Conditions:
Breast-ovarian cancer, familial, susceptibility to, 2 (BROVCA2). Also called: BRCA2 Hereditary Breast and Ovarian Cancer. Identifiers: Orphanet 145, MedGen C2675520, MONDO:0012933, OMIM 612555. Disease mechanism: loss of function.
Hereditary breast ovarian cancer syndrome. Also called: BRCA1- and BRCA2-Associated Hereditary Breast and Ovarian Cancer; Hereditary breast and ovarian cancer; Breast and ovarian cancer; Hereditary breast and/or ovarian cancer syndrome; Hereditary breast and ovarian cancer syndrome; Hereditary breast and ovarian cancer syndrome (HBOC). Identifiers: Orphanet 145, MedGen C0677776, MeSH D061325, MONDO:0003582. Disease mechanism: loss of function.
Hereditary cancer-predisposing syndrome. Also called: Hereditary neoplastic syndrome; Neoplastic Syndromes, Hereditary; Tumor predisposition; Hereditary Cancer Syndrome. Identifiers: Orphanet 140162, MedGen C0027672, MeSH D009386, MONDO:0015356.

Submissions (6):

Evidence-based Network for the Interpretation of Germline Mutant Alleles (ENIGMA)
Classification: Pathogenic for Breast-ovarian cancer, familial, susceptibility to, 2. Last evaluated: 2016-10-18. Review status: reviewed by expert panel. Criteria: ENIGMA BRCA1/2 Classification Criteria (2015). Collection method: curation. Allele origin: germline.
Comment: Variant allele predicted to encode a truncated non-functional protein.

Institute for Clinical Genetics, University Hospital TU Dresden, University Hospital TU Dresden
Classification: Pathogenic. Last evaluated: 2021-11-03. Review status: criteria provided, single submitter. Criteria: ACMG Guidelines, 2015. Collection method: clinical testing. Allele origin: germline. Not counted in ClinVar's aggregate classification.

Color Diagnostics, LLC DBA Color Health
Classification: Pathogenic for Hereditary cancer-predisposing syndrome. Last evaluated: 2020-05-18. Review status: criteria provided, single submitter. Criteria: ACMG Guidelines, 2015. Collection method: clinical testing. Allele origin: germline. Not counted in ClinVar's aggregate classification.
Comment: This variant deletes 1 nucleotide in exon 11 of the BRCA2 gene, creating a frameshift and premature translation stop signal. This variant is expected to result in an absent or non-functional protein product. To our knowledge, this variant has not been reported in individuals affected with hereditary cancer in the literature. This variant has not been identified in the general population by the Genome Aggregation Database (gnomAD). Loss of BRCA2 function is a known mechanism of disease. Based on the available evidence, this variant is classified as Pathogenic.

Labcorp Genetics (formerly Invitae), Labcorp
Classification: Pathogenic for Hereditary breast ovarian cancer syndrome. Last evaluated: 2019-04-12. Review status: criteria provided, single submitter. Criteria: Invitae Variant Classification Sherloc (09022015). Collection method: clinical testing. Allele origin: germline. Not counted in ClinVar's aggregate classification.
Comment: This variant is not present in population databases (ExAC no frequency). This sequence change creates a premature translational stop signal (p.Lys1487Asnfs*5) in the BRCA2 gene. It is expected to result in an absent or disrupted protein product. This variant has been observed in an individual affected with hereditary breast and ovarian cancer (PMID: 29446198). ClinVar contains an entry for this variant (Variation ID: 266814). For these reasons, this variant has been classified as Pathogenic. Loss-of-function variants in BRCA2 are known to be pathogenic (PMID: 20104584).

Ambry Genetics
Classification: Pathogenic for Hereditary cancer-predisposing syndrome. Last evaluated: 2018-09-30. Review status: criteria provided, single submitter. Criteria: Ambry Variant Classification Scheme 2023. Collection method: clinical testing. Allele origin: germline. Not counted in ClinVar's aggregate classification.
Comment: The c.4458delT pathogenic mutation, located in coding exon 10 of the BRCA2 gene, results from a deletion of one nucleotide at nucleotide position 4458, causing a translational frameshift with a predicted alternate stop codon (p.K1487Nfs*5). This alteration is expected to result in loss of function by premature protein truncation or nonsense-mediated mRNA decay. As such, this alteration is interpreted as a disease-causing mutation.

Consortium of Investigators of Modifiers of BRCA1/2 (CIMBA), c/o University of Cambridge
Classification: Pathogenic for Breast-ovarian cancer, familial, susceptibility to, 2. Last evaluated: 2015-10-02. Review status: criteria provided, single submitter. Criteria: CIMBA Mutation Classification guidelines May 2016. Collection method: clinical testing. Allele origin: germline. Not counted in ClinVar's aggregate classification.

Literature cited by the submitters: PubMed 29446198 (cited by Labcorp Genetics (formerly Invitae), Labcorp); PubMed 20104584 (cited by Labcorp Genetics (formerly Invitae), Labcorp).

NM_000059.4(BRCA2):c.4458del (p.Lys1487fs)

Gene: BRCA2 (BRCA2 DNA repair associated; plus strand). Cytogenetic location: 13q13.1.
Variant type: Deletion.
Coding change: c.4458del on transcript NM_000059.4 (MANE Select); coding-DNA position 4458, one base deleted (T; older notation c.4458delT).
Protein change: p.Lys1487fs; shifts the reading frame from lysine 1487.
Molecular consequence: frameshift variant.
Genome position (GRCh38, 1-based): chr13:32,338,813, T deleted; the last of 2 consecutive T bases (chr13:32,338,812-32,338,813); deleting either gives the same sequence. VCF-style (leftmost placement, unchanged base first): chr13-32338811-GT-G. GRCh37 (hg19) VCF-style: chr13-32912948-GT-G.
Other names: 4686delT; c.4458delT (NM_000059.3).
Identifiers: ClinVar variation 266814 (VCV000266814.24), dbSNP rs886040532, ClinGen allele CA10589261.